The following is an entry in ClinVar:

ClinVar aggregate classification (germline): Uncertain significance (1 of 4 stars; one submission).

Allele frequency attached by ClinVar (database versions not stated): gnomAD 0.00002; gnomAD exomes 0.00003 and 0.00006; TOPMed 0.00003; ExAC 0.00006; ESP Exome Variant Server 0.00009.
gnomAD v4.1: 28 of 1,189,464 alleles (0.0024%); highest among the groups gnomAD compares: East Asian, 0.018%; no homozygotes.

Submission:

Labcorp Genetics (formerly Invitae), Labcorp
Classification: Uncertain significance. Last evaluated: 2025-10-13. Review status: criteria provided, single submitter. Criteria: Invitae Variant Classification Sherloc (09022015). Collection method: clinical testing. Allele origin: germline.
Comment: This sequence change replaces proline, which is neutral and non-polar, with leucine, which is neutral and non-polar, at codon 553 of the SH3KBP1 protein (p.Pro553Leu). This variant is present in population databases (rs149464659, gnomAD 0.05%), and has an allele count higher than expected for a pathogenic variant. This variant has not been reported in the literature in individuals affected with SH3KBP1-related conditions. ClinVar contains an entry for this variant (Variation ID: 1478012). Invitae Evidence Modeling of protein sequence and biophysical properties (such as structural, functional, and spatial information, amino acid conservation, physicochemical variation, residue mobility, and thermodynamic stability) indicates that this missense variant is not expected to disrupt SH3KBP1 protein function with a negative predictive value of 80%. In summary, the available evidence is currently insufficient to determine the role of this variant in disease. Therefore, it has been classified as a Variant of Uncertain Significance.

NM_031892.3(SH3KBP1):c.1658C>T (p.Pro553Leu)

Gene: SH3KBP1 (SH3 domain containing kinase binding protein 1; minus strand). Cytogenetic location: Xp22.12.
Variant type: single nucleotide variant.
Coding change: c.1658C>T on transcript NM_031892.3 (MANE Select); coding-DNA position 1658, C replaced by T.
Protein change: p.Pro553Leu; replaces proline 553 with leucine.
Molecular consequence: missense variant.
Genome position (GRCh38, 1-based): chrX:19,542,159, G>A on the plus strand (C>T on the coding strand, the complement: SH3KBP1 is on the minus strand). VCF-style: chrX-19542159-G-A. GRCh37 (hg19) VCF-style: chrX-19560277-G-A.
Other names: c.1547C>T, p.Pro516Leu (NM_001024666.3); c.944C>T, p.Pro315Leu (NM_001184960.2); c.1529C>T, p.Pro510Leu (NM_001353890.2); c.1733C>T, p.Pro578Leu (NM_001353891.2); c.1604C>T, p.Pro535Leu (NM_001353892.2); c.1556C>T, p.Pro519Leu (NM_001353893.2); c.1427C>T, p.Pro476Leu (NM_001353894.2); c.1484C>T, p.Pro495Leu (NM_001353895.2); and 1 more; short protein forms P272L, P495L, P516L, P519L, P535L, P315L, P476L, P510L.
Identifiers: ClinVar variation 1478012 (VCV001478012.8), dbSNP rs149464659, ClinGen allele CA10364479.
Genomic context (GRCh38, chrX:19,542,159, plus strand): 5'-GGGGAGGGCGCCGCTGAGGACAGAGGGGCTGGCCCACCGCCACCTGCTGCCATGGTCCCC[G>A]GCTTGGGCGGCAGGGATGCTTTGTTGTCAGACACCTGTGACGAGGGAAGGCAGGGAGGGT-3'
Protein context (NP_114098.1, residues 543-563): SDNKASLPPK[Pro553Leu]GTMAAGGGGP